The following is an entry in ClinVar:

ClinVar aggregate classification (germline): Likely pathogenic (1 of 4 stars; one submission).

Conditions:
Developmental and epileptic encephalopathy, 12 (DEE12). Identifiers: MedGen C3150988, MONDO:0013389, OMIM 613722.

Submission:

Variantyx, Inc.
Classification: Likely pathogenic for Developmental and epileptic encephalopathy, 12. Last evaluated: 2025-10-22. Review status: criteria provided, single submitter. Criteria: Variantyx Assertion Criteria 2022. Collection method: clinical testing. Allele origin: germline. Inheritance: Autosomal recessive inheritance. Affected: no.
Comment: This is a frameshift variant in the PLCB1 gene (OMIM: 607120). Pathogenic variants in this gene have been associated with autosomal recessive developmental and epileptic encephalopathy 12. The alteration introduces a premature termination codon in exon 8 out of 32 and is expected to result in loss of function, which is a known disease mechanism for PLCB1 in this disorder (PMID:20833646) (PVS1). This variant is absent from control populations (PM2). Based on the current evidence, this variant is classified as likely pathogenic for autosomal recessive developmental and epileptic encephalopathy 12.

Literature cited by the submitters: PubMed 20833646.

NM_015192.4(PLCB1):c.639_640del (p.Arg213fs)

Gene: PLCB1 (phospholipase C beta 1; plus strand). Cytogenetic location: 20p12.3.
Variant type: Microsatellite.
Coding change: c.639_640del on transcript NM_015192.4 (MANE Select); coding-DNA positions 639 to 640, 2 bases deleted (AG; older notation c.639_640delAG).
Protein change: p.Arg213fs; shifts the reading frame from arginine 213.
Molecular consequence: frameshift variant.
Genome position (GRCh38, 1-based): chr20:8,657,228-8,657,229, AG deleted; deleting any 2 consecutive bases within chr20:8,657,226-8,657,229 gives the same sequence; the c. name uses the placement nearest the transcript's 3' end. VCF-style (leftmost placement, unchanged base first): chr20-8657225-CAG-C. GRCh37 (hg19) VCF-style: chr20-8637872-CAG-C.
Other names: c.639_640del, p.Arg213fs (NM_182734.3); short protein forms R213fs.
Identifiers: ClinVar variation 4852205 (VCV004852205.1).